The following is an entry in ClinVar:

ClinVar aggregate classification (germline): Uncertain significance (1 of 4 stars; one submission).

Conditions:
Agammaglobulinemia 4, autosomal recessive (AGM4). Also called: AGAMMAGLOBULINEMIA, AUTOSOMAL RECESSIVE, DUE TO BLNK DEFECT; B cell linker protein deficiency. Identifiers: MedGen C3150752, MONDO:0013289, OMIM 613502.

Submission:

Labcorp Genetics (formerly Invitae), Labcorp
Classification: Uncertain significance for Agammaglobulinemia 4, autosomal recessive. Last evaluated: 2021-08-03. Review status: criteria provided, single submitter. Criteria: Invitae Variant Classification Sherloc (09022015). Collection method: clinical testing. Allele origin: germline.
Comment: In summary, the available evidence is currently insufficient to determine the role of this variant in disease. Therefore, it has been classified as a Variant of Uncertain Significance. Algorithms developed to predict the effect of missense changes on protein structure and function (SIFT, PolyPhen-2, Align-GVGD) all suggest that this variant is likely to be tolerated, but these predictions have not been confirmed by published functional studies and their clinical significance is uncertain. This variant has not been reported in the literature in individuals with BLNK-related conditions. This variant is not present in population databases (ExAC no frequency). This sequence change replaces histidine with asparagine at codon 191 of the BLNK protein (p.His191Asn). The histidine residue is moderately conserved and there is a small physicochemical difference between histidine and asparagine.

NM_013314.4(BLNK):c.571C>A (p.His191Asn)

Gene: BLNK (B cell linker; minus strand). Cytogenetic location: 10q24.1.
Variant type: single nucleotide variant.
Coding change: c.571C>A on transcript NM_013314.4 (MANE Select); coding-DNA position 571, C replaced by A.
Protein change: p.His191Asn; replaces histidine 191 with asparagine.
Molecular consequence: missense variant. On other transcripts: non-coding transcript variant (4), intron variant (1).
Genome position (GRCh38, 1-based): chr10:96,216,689, G>T on the plus strand (C>A on the coding strand, the complement: BLNK is on the minus strand). VCF-style: chr10-96216689-G-T. GRCh37 (hg19) VCF-style: chr10-97976445-G-T.
Other names: c.571C>A, p.His191Asn (NM_001114094.2, NM_001258440.2, NM_001258441.2); c.350-1357C>A (NM_001258442.2); short protein forms H191N.
Identifiers: ClinVar variation 1352758 (VCV001352758.8), dbSNP rs2134002149, ClinGen allele CA377723560.
Genomic context (GRCh38, chr10:96,216,689, plus strand): 5'-GTGCTTAAGGCGACAAACTCTTACCTTTTTCAGGTGGAGGTGAACTGCTTTCTGTGGGAT[G>T]AATATAGTTTTCATCATTATCTTCCACGGGGACCACATAATCAGCCTAACAGAAATACAA-3'
Protein context (NP_037446.1, residues 181-201): PVEDNDENYI[His191Asn]PTESSSPPPE